The following is an entry in ClinVar:

ClinVar aggregate classification (germline): Uncertain significance (1 of 4 stars; one submission).

Conditions:
Sulfite oxidase deficiency due to molybdenum cofactor deficiency type C. Also called: Molybdenum cofactor deficiency, complementation group C; Molybdenum cofactor deficiency C. Identifiers: Orphanet 308400, Orphanet 833, MedGen C1854990, MONDO:0014212, OMIM 615501.

Allele frequency attached by ClinVar (database versions not stated): gnomAD exomes below 0.00001.
gnomAD v4.1: 1 of 1,614,030 alleles (0.000062%); highest among the groups gnomAD compares: Admixed American, 0.0017%; no homozygotes.

Submission:

Labcorp Genetics (formerly Invitae), Labcorp
Classification: Uncertain significance for Sulfite oxidase deficiency due to molybdenum cofactor deficiency type C. Last evaluated: 2022-07-11. Review status: criteria provided, single submitter. Criteria: Invitae Variant Classification Sherloc (09022015). Collection method: clinical testing. Allele origin: germline.
Comment: In summary, the available evidence is currently insufficient to determine the role of this variant in disease. Therefore, it has been classified as a Variant of Uncertain Significance. Algorithms developed to predict the effect of missense changes on protein structure and function are either unavailable or do not agree on the potential impact of this missense change (SIFT: "Tolerated"; PolyPhen-2: "Possibly Damaging"; Align-GVGD: "Class C0"). This variant has not been reported in the literature in individuals affected with GPHN-related conditions. This variant is not present in population databases (gnomAD no frequency). This sequence change replaces glutamic acid, which is acidic and polar, with alanine, which is neutral and non-polar, at codon 754 of the GPHN protein (p.Glu754Ala).

NM_020806.5(GPHN):c.2261A>C (p.Glu754Ala)

Gene: GPHN (gephyrin; plus strand). Cytogenetic location: 14q23.3.
Variant type: single nucleotide variant.
Coding change: c.2261A>C on transcript NM_020806.5 (MANE Select); coding-DNA position 2261, A replaced by C.
Protein change: p.Glu754Ala; replaces glutamic acid 754 with alanine.
Molecular consequence: missense variant.
Genome position (GRCh38, 1-based): chr14:67,180,888, A>C. VCF-style: chr14-67180888-A-C. GRCh37 (hg19) VCF-style: chr14-67647605-A-C.
Other names: c.2162A>C, p.Glu721Ala (NM_001024218.2); c.2321A>C, p.Glu774Ala (NM_001377514.1); c.2291A>C, p.Glu764Ala (NM_001377515.1); c.2282A>C, p.Glu761Ala (NM_001377516.1); c.2234A>C, p.Glu745Ala (NM_001377517.1); c.2219A>C, p.Glu740Ala (NM_001377518.1); c.2201A>C, p.Glu734Ala (NM_001377519.1); short protein forms E761A, E721A, E734A, E745A, E740A, E754A, E764A, E774A.
Identifiers: ClinVar variation 2166183 (VCV002166183.4), dbSNP rs2544497290, ClinGen allele CA390122677.